The following is an entry in ClinVar:

NM_000540.3(RYR1):c.1329C>G (p.Ser443Arg)

Gene: RYR1 (ryanodine receptor 1; plus strand). Cytogenetic location: 19q13.2.
Variant type: single nucleotide variant.
Coding change: c.1329C>G on transcript NM_000540.3 (MANE Select); coding-DNA position 1329, C replaced by G.
Protein change: p.Ser443Arg; replaces serine 443 with arginine.
Molecular consequence: missense variant.
Genome position (GRCh38, 1-based): chr19:38,452,903, C>G. VCF-style: chr19-38452903-C-G. GRCh37 (hg19) VCF-style: chr19-38943543-C-G.
Other names: c.1329C>G, p.Ser443Arg (NM_001042723.2); short protein forms S443R.
Identifiers: ClinVar variation 4691840 (VCV004691840.1).
Genomic context (GRCh38, chr19:38,452,903, plus strand): 5'-GCCACGGGGCTCGGGGCCACCCGCTGGCACGGCGCTGCCCATCGAGGGCGTTATCCTGAG[C>G]CTGCAGGACCTCATCATCTACTTCGAGCCTCCCTCCGAGGACTTGCAGCACGAGGAGAAG-3'
Protein context (NP_000531.2, residues 433-453): TALPIEGVIL[Ser443Arg]LQDLIIYFEP

ClinVar aggregate classification (germline): Uncertain significance (1 of 4 stars; one submission).

Conditions:
RYR1-related disorder. Also called: RYR1-related condition; RYR1-related disorders. Identifiers: MedGen CN239331.

Submission:

Labcorp Genetics (formerly Invitae), Labcorp
Classification: Uncertain significance for RYR1-related disorder. Last evaluated: 2025-11-27. Review status: criteria provided, single submitter. Criteria: Invitae Variant Classification Sherloc (09022015). Collection method: clinical testing. Allele origin: germline.
Comment: This sequence change replaces serine, which is neutral and polar, with arginine, which is basic and polar, at codon 443 of the RYR1 protein (p.Ser443Arg). This variant is not present in population databases (gnomAD no frequency). This variant has not been reported in the literature in individuals affected with RYR1-related conditions. Invitae Evidence Modeling of protein sequence and biophysical properties (such as structural, functional, and spatial information, amino acid conservation, physicochemical variation, residue mobility, and thermodynamic stability) has been performed for this missense variant. However, the output from this modeling did not meet the statistical confidence thresholds required to predict the impact of this variant on RYR1 protein function. In summary, the available evidence is currently insufficient to determine the role of this variant in disease. Therefore, it has been classified as a Variant of Uncertain Significance.